The following is an entry in ClinVar:

ClinVar aggregate classification (germline): Uncertain significance. Review status: criteria provided, multiple submitters, no conflicts (2 of 4 stars). 2 submissions from 2 submitters: Uncertain significance (2). Last evaluated 2023-12-18.

Conditions:
Spinocerebellar ataxia type 5 (SCA5). Identifiers: Orphanet 98766, MedGen C0752123, MONDO:0010848, OMIM 600224.

Allele frequency attached by ClinVar (database versions not stated): gnomAD exomes below 0.00001.
gnomAD v4.1: 5 of 1,584,502 alleles (0.00032%); highest among the groups gnomAD compares: Non-Finnish European, 0.00043%; no homozygotes.

Submissions (2):

Labcorp Genetics (formerly Invitae), Labcorp
Classification: Uncertain significance. Last evaluated: 2023-12-18. Review status: criteria provided, single submitter. Criteria: Invitae Variant Classification Sherloc (09022015). Collection method: clinical testing. Allele origin: germline.
Comment: This sequence change replaces arginine, which is basic and polar, with glutamine, which is neutral and polar, at codon 671 of the SPTBN2 protein (p.Arg671Gln). This variant is not present in population databases (gnomAD no frequency). This variant has not been reported in the literature in individuals affected with SPTBN2-related conditions. ClinVar contains an entry for this variant (Variation ID: 1029114). Advanced modeling of protein sequence and biophysical properties (such as structural, functional, and spatial information, amino acid conservation, physicochemical variation, residue mobility, and thermodynamic stability) performed at Invitae indicates that this missense variant is expected to disrupt SPTBN2 protein function with a positive predictive value of 80%. In summary, the available evidence is currently insufficient to determine the role of this variant in disease. Therefore, it has been classified as a Variant of Uncertain Significance.

Baylor Genetics
Classification: Uncertain significance for Spinocerebellar ataxia type 5. Last evaluated: 2019-12-10. Review status: criteria provided, single submitter. Criteria: ACMG Guidelines, 2015. Collection method: clinical testing. Allele origin: unknown. Affected: yes.
Comment: This variant was determined to be of uncertain significance according to ACMG Guidelines, 2015 [PMID:25741868].

NM_006946.4(SPTBN2):c.2012G>A (p.Arg671Gln)

Gene: SPTBN2 (spectrin beta, non-erythrocytic 2; minus strand). Cytogenetic location: 11q13.2.
Variant type: single nucleotide variant.
Coding change: c.2012G>A on transcript NM_006946.4 (MANE Select); coding-DNA position 2012, G replaced by A.
Protein change: p.Arg671Gln; replaces arginine 671 with glutamine.
Molecular consequence: missense variant.
Genome position (GRCh38, 1-based): chr11:66,705,264, C>T on the plus strand (G>A on the coding strand, the complement: SPTBN2 is on the minus strand). VCF-style: chr11-66705264-C-T. GRCh37 (hg19) VCF-style: chr11-66472735-C-T.
Other names: short protein forms R671Q.
Identifiers: ClinVar variation 1029114 (VCV001029114.5), dbSNP rs1443491358, ClinGen allele CA381479031.
Genomic context (GRCh38, chr11:66,705,264, plus strand): 5'-CTCATCTCGCCCCGCAGGGCTGTGTGCTTGTTGAGCAGGCGGAGGGCACCGGTCAGGTCT[C>T]GGCCCGTGTCGGCTGAGGCCAGGAGGTGCTGCTGCTCCCGCACCCAGGCCTCAGCTTCAC-3'
Protein context (NP_008877.2, residues 661-681): QHLLASADTG[Arg671Gln]DLTGALRLLN